The following is an entry in ClinVar:

ClinVar aggregate classification (germline): Conflicting classifications of pathogenicity. Review status: criteria provided, conflicting classifications (1 of 4 stars). 5 submissions from 5 submitters: Pathogenic (1); Uncertain significance (4). Last evaluated 2026-03-27.

Conditions:
Cardiovascular phenotype. Identifiers: MedGen CN230736.
Arrhythmogenic right ventricular dysplasia 9 (ARVD9). Also called: Arrhythmogenic Right Ventricular Dysplasia/Cardiomyopathy 9; ARRHYTHMOGENIC RIGHT VENTRICULAR DYSPLASIA, FAMILIAL, 9. Identifiers: MedGen C1836906, MONDO:0012180, OMIM 609040.
Arrhythmogenic right ventricular cardiomyopathy (ARVD). Also called: Arrhythmogenic Right Ventricular Cardiomyopathy (ARVC); Arrhythmogenic right ventricular dysplasia; Cardiomyopathy, ARVC; Arrhythmogenic cardiomyopathy. Identifiers: Orphanet 247, MedGen C0349788, MeSH D019571, MONDO:0016587. Disease mechanism: loss of function. Inheritance: Various modes of inheritance.
PKP2-related disorder. Also called: PKP2-related condition.
Cardiomyopathy (CMYO). Also called: Cardiomyopathies. Identifiers: Orphanet 167848, MedGen C0878544, MONDO:0004994, HP:0001638. Inheritance: Various modes of inheritance.

Allele frequency attached by ClinVar (database versions not stated): gnomAD exomes below 0.00001; TOPMed below 0.00001; ExAC 0.00001.
gnomAD v4.1: 4 of 1,613,828 alleles (0.00025%); highest among the groups gnomAD compares: South Asian, 0.0011%; no homozygotes.

Submissions (5):

Molecular Diagnostic Laboratory for Inherited Cardiovascular Disease, Montreal Heart Institute
Classification: Uncertain significance for Cardiovascular phenotype. Last evaluated: 2026-03-27. Review status: criteria provided, single submitter. Criteria: ACMG Guidelines, 2015. Collection method: clinical testing. Allele origin: germline. Affected: yes.
Comment: PS3_supp, PS4_supp, PM2

Labcorp Genetics (formerly Invitae), Labcorp
Classification: Uncertain significance for Arrhythmogenic right ventricular dysplasia 9. Last evaluated: 2025-12-13. Review status: criteria provided, single submitter. Criteria: Invitae Variant Classification Sherloc (09022015). Collection method: clinical testing. Allele origin: germline.
Comment: This sequence change replaces arginine, which is basic and polar, with tryptophan, which is neutral and slightly polar, at codon 635 of the PKP2 protein (p.Arg635Trp). This variant is present in population databases (rs778928536, gnomAD 0.0009%). This missense change has been observed in individual(s) with a PKP2-related disease (PMID: 18662195). ClinVar contains an entry for this variant (Variation ID: 464415). An algorithm developed to predict the effect of missense changes on protein structure and function (PolyPhen-2) suggests that this variant is likely to be disruptive. In summary, the available evidence is currently insufficient to determine the role of this variant in disease. Therefore, it has been classified as a Variant of Uncertain Significance.

Blueprint Genetics
Classification: Pathogenic for PKP2-related disorders. Last evaluated: 2024-10-01. Review status: criteria provided, single submitter. Criteria: ACMG Guidelines, 2015. Collection method: clinical testing. Allele origin: germline. Affected: yes. Observed: 5 variant alleles.

All of Us Research Program, National Institutes of Health
Classification: Uncertain significance for Arrhythmogenic right ventricular cardiomyopathy. Last evaluated: 2024-02-22. Review status: criteria provided, single submitter. Criteria: ACMG Guidelines, 2015. Collection method: clinical testing. Allele origin: germline. Inheritance: Autosomal dominant inheritance. Observed: 2 variant alleles, 2 heterozygotes.
Comment: This missense variant replaces arginine with tryptophan at codon 635 of the PKP2 protein. Computational prediction tool suggests that this variant may not impact protein structure and function (internally defined REVEL score threshold <=0.5, PMID: 27666373). Splice site prediction tools suggest that this variant may not impact RNA splicing. To our knowledge, functional studies have not been performed for this variant. This variant has been reported in an individual affected with arrhythmogenic right ventricular cardiomyopathy (PMID: 18662195) and in three infants affected with sudden unexpected death (PMID: 28807990). This variant has been identified in 1/251288 chromosomes in the general population by the Genome Aggregation Database (gnomAD). The available evidence is insufficient to determine the role of this variant in disease conclusively. Therefore, this variant is classified as a Variant of Uncertain Significance.

This study involves interpretation of variants in research participants for the purpose of population health screening. Participant phenotype was not available at the time of variant classification. Additional details can be found in publication PMID: 35346344, PMCID: PMC8962531

Color Diagnostics, LLC DBA Color Health
Classification: Uncertain significance for Cardiomyopathy. Last evaluated: 2024-02-07. Review status: criteria provided, single submitter. Criteria: ACMG Guidelines, 2015. Collection method: clinical testing. Allele origin: germline.
Comment: This missense variant replaces arginine with tryptophan at codon 635 of the PKP2 protein. Computational prediction suggests that this variant may not impact protein structure and function (internally defined REVEL score threshold <= 0.5, PMID: 27666373). To our knowledge, functional studies have not been reported for this variant. This variant has been reported in an individual affected with arrhythmogenic right ventricular cardiomyopathy (PMID: 18662195) and in three infants affected with sudden unexpected death (PMID: 28807990). This variant has been identified in 1/251288 chromosomes in the general population by the Genome Aggregation Database (gnomAD). The available evidence is insufficient to determine the role of this variant in disease conclusively. Therefore, this variant is classified as a Variant of Uncertain Significance.

Literature cited by the submitters: PubMed 18662195 (cited by 3 submitters); PubMed 28807990 (cited by All of Us Research Program, National Institutes of Health and Color Diagnostics, LLC DBA Color Health).

NM_001005242.3(PKP2):c.1771C>T (p.Arg591Trp)

Gene: PKP2 (plakophilin 2; minus strand). Cytogenetic location: 12p11.21.
Variant type: single nucleotide variant.
Coding change: c.1771C>T on transcript NM_001005242.3 (MANE Select); coding-DNA position 1771, C replaced by T.
Protein change: p.Arg591Trp; replaces arginine 591 with tryptophan.
Molecular consequence: missense variant.
Genome position (GRCh38, 1-based): chr12:32,822,535, G>A on the plus strand (C>T on the coding strand, the complement: PKP2 is on the minus strand). VCF-style: chr12-32822535-G-A. GRCh37 (hg19) VCF-style: chr12-32975469-G-A.
Other names: c.1903C>T, p.Arg635Trp (NM_004572.4); c.1771C>T (NM_001005242.2); short protein forms R635W, R591W.
Identifiers: ClinVar variation 464415 (VCV000464415.14), dbSNP rs778928536, ClinGen allele CA031333.